The following is an entry in ClinVar:

ClinVar aggregate classification (germline): Uncertain significance (1 of 4 stars; one submission).

gnomAD v4.1: 1 of 1,613,968 alleles (0.000062%); highest among the groups gnomAD compares: Admixed American, 0.0017%; no homozygotes.

Submission:

Labcorp Genetics (formerly Invitae), Labcorp
Classification: Uncertain significance. Last evaluated: 2024-11-10. Review status: criteria provided, single submitter. Criteria: Invitae Variant Classification Sherloc (09022015). Collection method: clinical testing. Allele origin: germline.
Comment: This sequence change replaces alanine, which is neutral and non-polar, with aspartic acid, which is acidic and polar, at codon 347 of the ARSG protein (p.Ala347Asp). This variant is present in population databases (rs753990398, gnomAD 0.1%). This variant has not been reported in the literature in individuals affected with ARSG-related conditions. Invitae Evidence Modeling of protein sequence and biophysical properties (such as structural, functional, and spatial information, amino acid conservation, physicochemical variation, residue mobility, and thermodynamic stability) indicates that this missense variant is expected to disrupt ARSG protein function with a positive predictive value of 80%. In summary, the available evidence is currently insufficient to determine the role of this variant in disease. Therefore, it has been classified as a Variant of Uncertain Significance.

NM_001267727.2(ARSG):c.1040C>A (p.Ala347Asp)

Gene: ARSG (arylsulfatase G; plus strand). Cytogenetic location: 17q24.2.
Variant type: single nucleotide variant.
Coding change: c.1040C>A on transcript NM_001267727.2 (MANE Select); coding-DNA position 1040, C replaced by A.
Protein change: p.Ala347Asp; replaces alanine 347 with aspartic acid.
Molecular consequence: missense variant.
Genome position (GRCh38, 1-based): chr17:68,385,121, C>A. VCF-style: chr17-68385121-C-A. GRCh37 (hg19) VCF-style: chr17-66381262-C-A.
Other names: c.1040C>A, p.Ala347Asp (NM_001352899.2, NM_001352900.2, NM_001352901.2 and 3 more transcripts); c.1037C>A, p.Ala346Asp (NM_001352903.2, NM_001352904.2, NM_001352905.2 and 2 more transcripts); c.992C>A, p.Ala331Asp (NM_001352909.2); short protein forms A331D, A346D, A347D.
Identifiers: ClinVar variation 3612805 (VCV003612805.2).